The following is an entry in ClinVar:

NM_002929.3(GRK1):c.10G>A (p.Gly4Arg)

Gene: GRK1 (G protein-coupled receptor kinase 1; plus strand). Cytogenetic location: 13q34.
Variant type: single nucleotide variant.
Coding change: c.10G>A on transcript NM_002929.3 (MANE Select); coding-DNA position 10, G replaced by A.
Protein change: p.Gly4Arg; replaces glycine 4 with arginine.
Molecular consequence: missense variant.
Genome position (GRCh38, 1-based): chr13:113,667,396, G>A. VCF-style: chr13-113667396-G-A. GRCh37 (hg19) VCF-style: chr13-114321711-G-A.
Other names: c.10G>A (NM_002929.2); short protein forms G4R.
Identifiers: ClinVar variation 4920684 (VCV004920684.2).

ClinVar aggregate classification (germline): Benign. Review status: criteria provided, multiple submitters, no conflicts (2 of 4 stars). 2 submissions from 2 submitters: Benign (2). Last evaluated 2025-01-08.

Conditions:
GRK1-related disorder. Also called: GRK1-related condition.

gnomAD v4.1: 435 of 1,573,560 alleles (0.028%); highest among the groups gnomAD compares: African/African-American, 0.53%; 2 homozygotes.

Submissions (2):

PreventionGenetics, part of Exact Sciences
Classification: Benign for GRK1-related condition. Last evaluated: 2025-01-08. Review status: criteria provided, single submitter. Criteria: ACMG Guidelines, 2015. Collection method: clinical testing. Allele origin: germline.
Comment: This variant is classified as benign based on ACMG/AMP sequence variant interpretation guidelines (Richards et al. 2015 PMID: 25741868, with internal and published modifications).

Blueprint Genetics
Classification: Benign. Last evaluated: 2024-03-12. Review status: criteria provided, single submitter. Criteria: ACMG Guidelines, 2015. Collection method: clinical testing. Allele origin: germline.